The following is an entry in ClinVar:

NM_001130438.3(SPTAN1):c.1096T>G (p.Phe366Val)

Gene: SPTAN1 (spectrin alpha, non-erythrocytic 1; plus strand). Cytogenetic location: 9q34.11.
Variant type: single nucleotide variant.
Coding change: c.1096T>G on transcript NM_001130438.3 (MANE Select); coding-DNA position 1096, T replaced by G.
Protein change: p.Phe366Val; replaces phenylalanine 366 with valine.
Molecular consequence: missense variant.
Genome position (GRCh38, 1-based): chr9:128,578,120, T>G. VCF-style: chr9-128578120-T-G. GRCh37 (hg19) VCF-style: chr9-131340399-T-G.
Other names: c.1096T>G, p.Phe366Val (NM_001195532.2, NM_001363759.2, NM_001363765.2 and 10 more transcripts); c.1132T>G, p.Phe378Val (NM_001375312.2, NM_001375318.1, NM_001438440.1); short protein forms F378V, F366V.
Identifiers: ClinVar variation 4774416 (VCV004774416.2).

ClinVar aggregate classification (germline): Uncertain significance. Review status: criteria provided, multiple submitters, no conflicts (2 of 4 stars). 2 submissions from 2 submitters: Uncertain significance (2). Last evaluated 2025-12-12.

Conditions:
SPTAN1-related disorder. Also called: SPTAN1-related condition; SPTAN1-related disorders.
Early-infantile DEE. Also called: Ohtahara syndrome; Early infantile epileptic encephalopathy with suppression bursts; Early infantile epileptic encephalopathy. Identifiers: Orphanet 1934, MedGen C0393706, MONDO:0800491.

Submissions (2):

3billion
Classification: Uncertain significance for SPTAN1-related disorder. Last evaluated: 2025-12-12. Review status: criteria provided, single submitter. Criteria: ACMG Guidelines, 2015. Collection method: clinical testing. Allele origin: germline. Affected: yes.
Comment: The variant is not observed in the gnomAD v4.1.0 dataset. Predicted Consequence/Location: Missense variant In silico tool predictions suggest damaging effect of the variant on gene or gene product [REVEL: 0.79 (>=0.6, sensitivity 0.68 and specificity 0.92)]. Different missense changes at the same codon have been reported as of uncertain significance (ClinVar ID: VCV001163507). Therefore, this variant is classified as VUS according to the recommendation of ACMG/AMP guideline.

Labcorp Genetics (formerly Invitae), Labcorp
Classification: Uncertain significance for Early-infantile DEE. Last evaluated: 2025-03-13. Review status: criteria provided, single submitter. Criteria: Invitae Variant Classification Sherloc (09022015). Collection method: clinical testing. Allele origin: germline.
Comment: This sequence change replaces phenylalanine, which is neutral and non-polar, with valine, which is neutral and non-polar, at codon 366 of the SPTAN1 protein (p.Phe366Val). This variant is not present in population databases (gnomAD no frequency). This variant has not been reported in the literature in individuals affected with SPTAN1-related conditions. Invitae Evidence Modeling of protein sequence and biophysical properties (such as structural, functional, and spatial information, amino acid conservation, physicochemical variation, residue mobility, and thermodynamic stability) has been performed for this missense variant. However, the output from this modeling did not meet the statistical confidence thresholds required to predict the impact of this variant on SPTAN1 protein function. In summary, the available evidence is currently insufficient to determine the role of this variant in disease. Therefore, it has been classified as a Variant of Uncertain Significance.